The following is an entry in ClinVar:

NM_007294.4(BRCA1):c.2560G>A (p.Ala854Thr)

Gene: BRCA1 (BRCA1 DNA repair associated; minus strand). Cytogenetic location: 17q21.31.
Variant type: single nucleotide variant.
Coding change: c.2560G>A on transcript NM_007294.4 (MANE Select); coding-DNA position 2560, G replaced by A.
Protein change: p.Ala854Thr; replaces alanine 854 with threonine.
Molecular consequence: missense variant. On other transcripts: intron variant (137).
Genome position (GRCh38, 1-based): chr17:43,092,971, C>T on the plus strand (G>A on the coding strand, the complement: BRCA1 is on the minus strand). VCF-style: chr17-43092971-C-T. GRCh37 (hg19) VCF-style: chr17-41244988-C-T.
Other names: c.2224G>A, p.Ala742Thr (NM_001407956.1, NM_001407958.1, NM_001407954.1 and 1 more transcripts); c.2227G>A, p.Ala743Thr (NM_001407957.1, NM_001407946.1, NM_001407947.1 and 6 more transcripts); c.2179G>A, p.Ala727Thr (NM_001407959.1, NM_001407960.1, NM_001407963.1); c.583+1773G>A (NM_001408475.1); c.709+1773G>A (NM_001408412.1, NM_001408409.1, NM_001408414.1 and 2 more transcripts); c.451+1773G>A (NM_001408509.1, NM_001408508.1); c.1672G>A, p.Ala558Thr (NM_001407967.1, NM_001407966.1); c.2419G>A, p.Ala807Thr (NM_007297.4, NM_001407692.1, NM_001407694.1 and 29 more transcripts); and 41 more; short protein forms A807T, A854T, A787T, A806T, A853T, A686T, A743T, A813T.
Identifiers: ClinVar variation 642954 (VCV000642954.13), dbSNP rs1597869238, ClinGen allele CA10596871.

ClinVar aggregate classification (germline): Conflicting classifications of pathogenicity. Review status: criteria provided, conflicting classifications (1 of 4 stars). 3 submissions from 3 submitters: Uncertain significance (1); Likely benign (2). Last evaluated 2025-11-19.

Conditions:
Hereditary cancer-predisposing syndrome. Also called: Neoplastic Syndromes, Hereditary; Tumor predisposition; Hereditary neoplastic syndrome; Hereditary Cancer Syndrome. Identifiers: Orphanet 140162, MedGen C0027672, MeSH D009386, MONDO:0015356.
Hereditary breast ovarian cancer syndrome. Also called: Hereditary breast and ovarian cancer; Hereditary breast and ovarian cancer syndrome; Hereditary breast and ovarian cancer syndrome (HBOC); Hereditary breast and/or ovarian cancer syndrome; Breast and ovarian cancer; BRCA1- and BRCA2-Associated Hereditary Breast and Ovarian Cancer. Identifiers: Orphanet 145, MedGen C0677776, MeSH D061325, MONDO:0003582. Disease mechanism: loss of function.

Submissions (3):

Labcorp Genetics (formerly Invitae), Labcorp
Classification: Uncertain significance for Hereditary breast ovarian cancer syndrome. Last evaluated: 2025-11-19. Review status: criteria provided, single submitter. Criteria: Invitae Variant Classification Sherloc (09022015). Collection method: clinical testing. Allele origin: germline.
Comment: This sequence change replaces alanine, which is neutral and non-polar, with threonine, which is neutral and polar, at codon 854 of the BRCA1 protein (p.Ala854Thr). This variant is not present in population databases (gnomAD no frequency). This variant has not been reported in the literature in individuals affected with BRCA1-related conditions. ClinVar contains an entry for this variant (Variation ID: 642954). Invitae Evidence Modeling of protein sequence and biophysical properties (such as structural, functional, and spatial information, amino acid conservation, physicochemical variation, residue mobility, and thermodynamic stability) indicates that this missense variant is not expected to disrupt BRCA1 protein function with a negative predictive value of 80%. In summary, the available evidence is currently insufficient to determine the role of this variant in disease. Therefore, it has been classified as a Variant of Uncertain Significance.

Ambry Genetics
Classification: Likely benign for Hereditary cancer-predisposing syndrome. Last evaluated: 2024-05-28. Review status: criteria provided, single submitter. Criteria: Ambry Variant Classification Scheme 2023. Collection method: clinical testing. Allele origin: germline.

University of Washington Department of Laboratory Medicine, University of Washington
Classification: Likely benign for Hereditary cancer-predisposing syndrome. Last evaluated: 2023-03-23. Review status: criteria provided, single submitter. Criteria: Dines et al. (Genet Med. 2020). Collection method: curation. Allele origin: germline.
Comment: Missense variant in a coldspot region where missense variants are very unlikely to be pathogenic (PMID:31911673).

BRCA1 coldspot (exon 11 using historical exon numbering). Reclassification based on statistical prior probability